The following is an entry in ClinVar:

ClinVar aggregate classification (germline): Likely benign (1 of 4 stars; one submission).

Allele frequency attached by ClinVar (database versions not stated): gnomAD exomes 0.00047; 1000 Genomes Project 0.00300; 1000 Genomes Project 30x 0.00312.

Submission:

Women's Health and Genetics/Laboratory Corporation of America, LabCorp
Classification: Likely benign. Last evaluated: 2021-04-19. Review status: criteria provided, single submitter. Criteria: LabCorp Variant Classification Summary - May 2015. Collection method: clinical testing. Allele origin: germline.
Comment: Variant summary: CYP1B1 c.-285C>T (refseq HGVScdot: c.-286C>T) is located in the untranslated mRNA region upstream of the initiation codon. The variant allele was found at a frequency of 0.00042 in 152230 control chromosomes, predominantly at a frequency of 0.0091 within the East Asian subpopulation in the gnomAD database (gnomAD v3.1.1). The observed variant frequency within East Asian control individuals in the gnomAD database is approximately 2 fold of the estimated maximal expected allele frequency for a pathogenic variant in CYP1B1 causing Primary Congenital Glaucoma phenotype (0.0043), strongly suggesting that the variant is a benign polymorphism found primarily in populations of East Asian origin. In addition, the variant was also found at a found at a frequency of 0.0067 in jMorp database which consists of 8.3K healthy Japanese controls. This report however, does not provide unequivocal conclusions about association of the variant with Primary Congenital Glaucoma. To our knowledge, no experimental evidence demonstrating an impact on protein function has been reported. No clinical diagnostic laboratories have submitted clinical-significance assessments for this variant to ClinVar after 2014. Based on the evidence outlined above, the variant was classified as likely benign.

Literature cited by the submitters: PubMed 23315997; PubMed 12598442.

NM_000104.4(CYP1B1):c.-286C>T

Gene: CYP1B1 (cytochrome P450 family 1 subfamily B member 1; minus strand). Cytogenetic location: 2p22.2.
Variant type: single nucleotide variant.
Coding change: c.-286C>T on transcript NM_000104.4 (MANE Select); 286 bases upstream of the start codon, C replaced by T.
Molecular consequence: 5 prime UTR variant.
Genome position (GRCh38, 1-based): chr2:38,076,064, G>A on the plus strand (C>T on the coding strand, the complement: CYP1B1 is on the minus strand). VCF-style: chr2-38076064-G-A. GRCh37 (hg19) VCF-style: chr2-38303206-G-A.
Identifiers: ClinVar variation 1098814 (VCV001098814.1), dbSNP rs78928924, ClinGen allele CA45512941.